The following is an entry in ClinVar:

NM_016203.4(PRKAG2):c.1107-4A>T

Gene: PRKAG2 (protein kinase AMP-activated non-catalytic subunit gamma 2; minus strand). Cytogenetic location: 7q36.1.
Variant type: single nucleotide variant.
Coding change: c.1107-4A>T on transcript NM_016203.4 (MANE Select); 4 bases into the intron before coding-DNA position 1107, A replaced by T.
Molecular consequence: intron variant.
Genome position (GRCh38, 1-based): chr7:151,568,846, T>A on the plus strand (A>T on the coding strand, the complement: PRKAG2 is on the minus strand). VCF-style: chr7-151568846-T-A. GRCh37 (hg19) VCF-style: chr7-151265932-T-A.
Other names: c.816-4A>T (NM_001407031.1); c.819-4A>T (NM_001407030.1); c.1104-4A>T (NM_001407023.1, NM_001407022.1); c.1107-4A>T (NM_001407021.1); c.789-4A>T (NM_001407032.1); c.972-4A>T (NM_001407026.1, NM_001407027.1); c.975-4A>T (NM_001040633.2, NM_001407024.1); c.783-4A>T (NM_001407033.1); and 6 more.
Identifiers: ClinVar variation 3074041 (VCV003074041.1), dbSNP rs201215056, ClinGen allele CA2534247629.
Genomic context (GRCh38, chr7:151,568,846, plus strand): 5'-ATAACGGGCAATCTGTGGATTTTATTTTTGATCAAGGAGTATACAGCATCGAAGAGGCTG[T>A]GGGAGAAGTCATTAAAGTTGTTAGGAGGCTTTCGAGAAAAATCAGAACACTTTGGACTAC-3'

ClinVar aggregate classification (germline): Uncertain significance (1 of 4 stars; one submission).

Conditions:
Hypertrophic cardiomyopathy. Also called: HYPERTROPHIC MYOCARDIOPATHY. Identifiers: Orphanet 217569, MedGen C0007194, MeSH D002312, MONDO:0005045, HP:0001639.

Submission:

All of Us Research Program, National Institutes of Health
Classification: Uncertain significance for Hypertrophic cardiomyopathy. Last evaluated: 2023-10-23. Review status: criteria provided, single submitter. Criteria: ACMG Guidelines, 2015. Collection method: clinical testing. Allele origin: germline. Inheritance: Autosomal dominant inheritance. Observed: 1 variant allele, 1 heterozygote.
Comment: This variant causes an A to T nucleotide substitution at the -4 position of intron 10 of the PRKAG2 gene. To our knowledge, functional studies have not been reported for this variant. This variant has not been reported in individuals affected with PRKAG2-related disorders in the literature. This variant has not been identified in the general population by the Genome Aggregation Database (gnomAD). The available evidence is insufficient to determine the role of this variant in disease conclusively. Therefore, this variant is classified as a Variant of Uncertain Significance.

This study involves interpretation of variants in research participants for the purpose of population health screening. Participant phenotype was not available at the time of variant classification. Additional details can be found in publication PMID: 35346344, PMCID: PMC8962531